The following is an entry in ClinVar:

ClinVar aggregate classification (germline): Uncertain significance. Review status: criteria provided, multiple submitters, no conflicts (2 of 4 stars). 2 submissions from 2 submitters: Uncertain significance (2). Last evaluated 2025-06-07.

Conditions:
Inborn genetic diseases. Identifiers: MedGen C0950123, MeSH D030342.

gnomAD v4.1: 18 of 1,614,032 alleles (0.0011%); highest among the groups gnomAD compares: African/African-American, 0.019%; no homozygotes.

Submissions (2):

Ambry Genetics
Classification: Uncertain significance for Inborn genetic diseases. Last evaluated: 2025-06-07. Review status: criteria provided, single submitter. Criteria: Ambry Variant Classification Scheme 2023. Collection method: clinical testing. Allele origin: germline.

GeneDx
Classification: Uncertain significance. Last evaluated: 2024-02-12. Review status: criteria provided, single submitter. Criteria: GeneDx Variant Classification Process June 2021. Collection method: clinical testing. Allele origin: germline. Affected: yes.
Comment: In silico analysis supports that this missense variant has a deleterious effect on protein structure/function; Has not been previously published as pathogenic or benign to our knowledge

NM_001457.4(FLNB):c.1154G>C (p.Gly385Ala)

Gene: FLNB (filamin B; plus strand). Cytogenetic location: 3p14.3.
Variant type: single nucleotide variant.
Coding change: c.1154G>C on transcript NM_001457.4 (MANE Select); coding-DNA position 1154, G replaced by C.
Protein change: p.Gly385Ala; replaces glycine 385 with alanine.
Molecular consequence: missense variant.
Genome position (GRCh38, 1-based): chr3:58,098,717, G>C. VCF-style: chr3-58098717-G-C. GRCh37 (hg19) VCF-style: chr3-58084444-G-C.
Other names: c.1154G>C, p.Gly385Ala (NM_001164317.2, NM_001164318.2, NM_001164319.2); short protein forms G385A.
Identifiers: ClinVar variation 3369104 (VCV003369104.2).